The following is an entry in ClinVar:

ClinVar aggregate classification (germline): Uncertain significance (1 of 4 stars; one submission).

Conditions:
Cardiovascular phenotype. Identifiers: MedGen CN230736.

Allele frequency attached by ClinVar (database versions not stated): TOPMed below 0.00001; gnomAD 0.00001; gnomAD exomes 0.00001.
gnomAD v4.1: 14 of 1,614,088 alleles (0.00087%); highest among the groups gnomAD compares: African/African-American, 0.0013%; no homozygotes.

Submission:

Ambry Genetics
Classification: Uncertain significance for Cardiovascular phenotype. Last evaluated: 2021-11-24. Review status: criteria provided, single submitter. Criteria: Ambry Variant Classification Scheme 2023. Collection method: clinical testing. Allele origin: germline.
Comment: The p.N421D variant (also known as c.1261A>G), located in coding exon 7 of the CYP27A1 gene, results from an A to G substitution at nucleotide position 1261. The asparagine at codon 421 is replaced by aspartic acid, an amino acid with highly similar properties. This amino acid position is conserved. In addition, this alteration is predicted to be tolerated by in silico analysis. Since supporting evidence is limited at this time, the clinical significance of this alteration remains unclear.

NM_000784.4(CYP27A1):c.1261A>G (p.Asn421Asp)

Gene: CYP27A1 (cytochrome P450 family 27 subfamily A member 1; plus strand). Cytogenetic location: 2q35.
Variant type: single nucleotide variant.
Coding change: c.1261A>G on transcript NM_000784.4 (MANE Select); coding-DNA position 1261, A replaced by G.
Protein change: p.Asn421Asp; replaces asparagine 421 with aspartic acid.
Molecular consequence: missense variant.
Genome position (GRCh38, 1-based): chr2:218,814,456, A>G. VCF-style: chr2-218814456-A-G. GRCh37 (hg19) VCF-style: chr2-219679179-A-G.
Other names: short protein forms N421D.
Identifiers: ClinVar variation 1763251 (VCV001763251.2), dbSNP rs1030440091, ClinGen allele CA65835017.